The following is an entry in ClinVar:

NM_000051.4(ATM):c.7384T>G (p.Phe2462Val)

Genes: ATM (ATM serine/threonine kinase; plus strand), C11orf65 (chromosome 11 open reading frame 65; minus strand). Cytogenetic location: 11q22.3.
Variant type: single nucleotide variant.
Coding change: c.7384T>G on transcript NM_000051.4 (MANE Select); coding-DNA position 7384, T replaced by G.
Protein change: p.Phe2462Val; replaces phenylalanine 2462 with valine.
Molecular consequence: missense variant. On other transcripts: intron variant (2).
Genome position (GRCh38, 1-based): chr11:108,330,290, T>G. VCF-style: chr11-108330290-T-G. GRCh37 (hg19) VCF-style: chr11-108201017-T-G.
Other names: c.7384T>G, p.Phe2462Val (NM_001351834.2); c.641-21219A>C (NM_001330368.2); c.*38+4930A>C (NM_001351110.2); short protein forms F2462V.
Identifiers: ClinVar variation 1423251 (VCV001423251.9), dbSNP rs878853543, ClinGen allele CA382560029.

ClinVar aggregate classification (germline): Uncertain significance. Review status: criteria provided, multiple submitters, no conflicts (2 of 4 stars). 2 submissions from 2 submitters: Uncertain significance (2). Last evaluated 2025-06-06.

Conditions:
Ataxia-telangiectasia syndrome (AT). Also called: Ataxia-telangiectasia; LOUIS-BAR SYNDROME; Ataxia-telangiectasia, complementation group D; AT, COMPLEMENTATION GROUP C; ATAXIA-TELANGIECTASIA, COMPLEMENTATION GROUP A; ATAXIA-TELANGIECTASIA, FRESNO VARIANT. Identifiers: Orphanet 100, MedGen C0004135, MONDO:0008840, OMIM 208900.
Hereditary cancer-predisposing syndrome. Also called: Tumor predisposition; Neoplastic Syndromes, Hereditary; Hereditary Cancer Syndrome; Hereditary neoplastic syndrome. Identifiers: Orphanet 140162, MedGen C0027672, MeSH D009386, MONDO:0015356.

Allele frequency attached by ClinVar (database versions not stated): TOPMed below 0.00001.

Submissions (2):

Labcorp Genetics (formerly Invitae), Labcorp
Classification: Uncertain significance for Ataxia-telangiectasia syndrome. Last evaluated: 2025-06-06. Review status: criteria provided, single submitter. Criteria: Invitae Variant Classification Sherloc (09022015). Collection method: clinical testing. Allele origin: germline.
Comment: This sequence change replaces phenylalanine, which is neutral and non-polar, with valine, which is neutral and non-polar, at codon 2462 of the ATM protein (p.Phe2462Val). This variant is not present in population databases (gnomAD no frequency). This variant has not been reported in the literature in individuals affected with ATM-related conditions. ClinVar contains an entry for this variant (Variation ID: 1423251). Invitae Evidence Modeling of protein sequence and biophysical properties (such as structural, functional, and spatial information, amino acid conservation, physicochemical variation, residue mobility, and thermodynamic stability) indicates that this missense variant is expected to disrupt ATM protein function with a positive predictive value of 95%. In summary, the available evidence is currently insufficient to determine the role of this variant in disease. Therefore, it has been classified as a Variant of Uncertain Significance.

Ambry Genetics
Classification: Uncertain significance for Hereditary cancer-predisposing syndrome. Last evaluated: 2023-06-09. Review status: criteria provided, single submitter. Criteria: Ambry Variant Classification Scheme 2023. Collection method: clinical testing. Allele origin: germline.
Comment: The p.F2462V variant (also known as c.7384T>G), located in coding exon 49 of the ATM gene, results from a T to G substitution at nucleotide position 7384. The phenylalanine at codon 2462 is replaced by valine, an amino acid with highly similar properties. This amino acid position is highly conserved in available vertebrate species. In addition, this alteration is predicted to be deleterious by in silico analysis. Since supporting evidence is limited at this time, the clinical significance of this alteration remains unclear.